The following is an entry in ClinVar:

NM_181882.3(PRX):c.2456A>G (p.Lys819Arg)

Gene: PRX (periaxin; minus strand). Cytogenetic location: 19q13.2.
Variant type: single nucleotide variant.
Coding change: c.2456A>G on transcript NM_181882.3 (MANE Select); coding-DNA position 2456, A replaced by G.
Protein change: p.Lys819Arg; replaces lysine 819 with arginine.
Molecular consequence: missense variant. On other transcripts: 3 prime UTR variant (1).
Genome position (GRCh38, 1-based): chr19:40,395,896, T>C on the plus strand (A>G on the coding strand, the complement: PRX is on the minus strand). VCF-style: chr19-40395896-T-C. GRCh37 (hg19) VCF-style: chr19-40901803-T-C.
Other names: c.*2661A>G (NM_020956.2); short protein forms K819R.
Identifiers: ClinVar variation 958317 (VCV000958317.9), dbSNP rs2079429870, ClinGen allele CA405896246.

ClinVar aggregate classification (germline): Uncertain significance (1 of 4 stars; one submission).

Conditions:
Charcot-Marie-Tooth disease type 4. Also called: Charcot-Marie-Tooth disease, type IV; Charcot-Marie-Tooth, Type 4. Identifiers: Orphanet 64749, MedGen C4082197, MONDO:0018995.

Submission:

Labcorp Genetics (formerly Invitae), Labcorp
Classification: Uncertain significance for Charcot-Marie-Tooth disease type 4. Last evaluated: 2022-02-24. Review status: criteria provided, single submitter. Criteria: Invitae Variant Classification Sherloc (09022015). Collection method: clinical testing. Allele origin: germline.
Comment: This variant is not present in population databases (gnomAD no frequency). This sequence change replaces lysine, which is basic and polar, with arginine, which is basic and polar, at codon 819 of the PRX protein (p.Lys819Arg). This variant has not been reported in the literature in individuals affected with PRX-related conditions. In summary, the available evidence is currently insufficient to determine the role of this variant in disease. Therefore, it has been classified as a Variant of Uncertain Significance. Algorithms developed to predict the effect of sequence changes on RNA splicing suggest that this variant may create or strengthen a splice site. Algorithms developed to predict the effect of missense changes on protein structure and function are either unavailable or do not agree on the potential impact of this missense change (SIFT: "Tolerated"; PolyPhen-2: "Possibly Damaging"; Align-GVGD: "Class C0"). ClinVar contains an entry for this variant (Variation ID: 958317).